The following is an entry in ClinVar:

ClinVar aggregate classification (germline): Uncertain significance (1 of 4 stars; one submission).

Conditions:
Aspartylglucosaminuria (AGU). Also called: Aspartylglucos-aminuria; Aspartylglucos-amidase (AGA) deficiency; GLYCOASPARAGINASE; GLYCOSYLASPARAGINASE DEFICIENCY; AGA DEFICIENCY. Identifiers: Orphanet 93, MedGen C0268225, MONDO:0008830, OMIM 208400, HP:0012068.

Submission:

Labcorp Genetics (formerly Invitae), Labcorp
Classification: Uncertain significance for Aspartylglucosaminuria. Last evaluated: 2022-03-13. Review status: criteria provided, single submitter. Criteria: Invitae Variant Classification Sherloc (09022015). Collection method: clinical testing. Allele origin: germline.
Comment: In summary, the available evidence is currently insufficient to determine the role of this variant in disease. Therefore, it has been classified as a Variant of Uncertain Significance. Algorithms developed to predict the effect of missense changes on protein structure and function output the following: SIFT: "Deleterious"; PolyPhen-2: "Benign"; Align-GVGD: "Class C0". The glutamic acid amino acid residue is found in multiple mammalian species, which suggests that this missense change does not adversely affect protein function. This variant has not been reported in the literature in individuals affected with AGA-related conditions. This variant is not present in population databases (gnomAD no frequency). This sequence change replaces aspartic acid, which is acidic and polar, with glutamic acid, which is acidic and polar, at codon 93 of the AGA protein (p.Asp93Glu).

NM_000027.4(AGA):c.279T>A (p.Asp93Glu)

Gene: AGA (aspartylglucosaminidase; minus strand). Cytogenetic location: 4q34.3.
Variant type: single nucleotide variant.
Coding change: c.279T>A on transcript NM_000027.4 (MANE Select); coding-DNA position 279, T replaced by A.
Protein change: p.Asp93Glu; replaces aspartic acid 93 with glutamic acid.
Molecular consequence: missense variant. On other transcripts: non-coding transcript variant (1).
Genome position (GRCh38, 1-based): chr4:177,440,275, A>T on the plus strand (T>A on the coding strand, the complement: AGA is on the minus strand). VCF-style: chr4-177440275-A-T. GRCh37 (hg19) VCF-style: chr4-178361429-A-T.
Other names: c.279T>A, p.Asp93Glu (NM_001171988.2); short protein forms D93E.
Identifiers: ClinVar variation 2099125 (VCV002099125.4), dbSNP rs764053416, ClinGen allele CA358784030.